The following is an entry in ClinVar:

ClinVar aggregate classification (germline): Likely pathogenic (1 of 4 stars; one submission).

Conditions:
Breast-ovarian cancer, familial, susceptibility to, 1 (BROVCA1). Also called: BRCA1 Hereditary Breast and Ovarian Cancer; OVARIAN CANCER, SUSCEPTIBILITY TO. Identifiers: Orphanet 145, MedGen C2676676, MONDO:0011450, OMIM 604370. Disease mechanism: loss of function.

Submissions (2):

MVZ Martinsried, Medicover Genetics
Classification: Likely pathogenic for Breast-ovarian cancer, familial, susceptibility to, 1. Last evaluated: 2023-10-25. Review status: criteria provided, single submitter. Criteria: ACGS Guidelines, 2020. Collection method: clinical testing. Allele origin: unknown.

Brotman Baty Institute, University of Washington
No classification provided (evidence only). Condition: Breast-ovarian cancer, familial 1. Review status: no classification provided. Collection method: in vitro. Allele origin: not applicable. Functional consequence: functionally_abnormal. Not counted in ClinVar's aggregate classification.
ClinVar note: "not provided" was previously submitted as the classification for the variant. However, the classification appeared to be based only on an observation of functional data so it was converted to no classification on 2025-07-30.

NM_007294.4(BRCA1):c.4988T>G (p.Met1663Arg)

Gene: BRCA1 (BRCA1 DNA repair associated; minus strand). Cytogenetic location: 17q21.31.
Variant type: single nucleotide variant.
Coding change: c.4988T>G on transcript NM_007294.4 (MANE Select); coding-DNA position 4988, T replaced by G.
Protein change: p.Met1663Arg; replaces methionine 1663 with arginine.
Molecular consequence: missense variant. On other transcripts: non-coding transcript variant (1).
Genome position (GRCh38, 1-based): chr17:43,067,694, A>C on the plus strand (T>G on the coding strand, the complement: BRCA1 is on the minus strand). VCF-style: chr17-43067694-A-C. GRCh37 (hg19) VCF-style: chr17-41219711-A-C.
Other names: c.1676T>G, p.Met559Arg (NM_001407984.1, NM_001407985.1, NM_001407986.1 and 13 more transcripts); c.1673T>G, p.Met558Arg (NM_001408401.1, NM_001408402.1, NM_001408403.1 and 8 more transcripts); c.1670T>G, p.Met557Arg (NM_001408406.1, NM_001408407.1, NM_001408408.1); c.1667T>G, p.Met556Arg (NM_001408409.1); c.1604T>G, p.Met535Arg (NM_001408410.1); c.1559T>G, p.Met520Arg (NM_001408422.1, NM_001408423.1, NM_001408424.1 and 1 more transcripts); c.1556T>G, p.Met519Arg (NM_001408425.1, NM_001408426.1, NM_001408427.1 and 4 more transcripts); c.1553T>G, p.Met518Arg (NM_001408441.1, NM_001408442.1, NM_001408443.1 and 10 more transcripts); and 70 more; short protein forms M559R, M1663R, M1684R, M1616R, M1366R, M1494R, M1536R, M1573R.
Identifiers: ClinVar variation 868096 (VCV000868096.4), dbSNP rs80357205, ClinGen allele CA10591541.
Genomic context (GRCh38, chr17:43,067,694, plus strand): 5'-TCTTCAGTAATTAGATTAGTTAAAGTGATGTGGTGTTTTCTGGCAAACTTGTACACGAGC[A>C]TCTGAAATTAAATCAAATATTCCATTATCATGAGTTACCTCTAGCACACAGCTCAGAATA-3'
Protein context (NP_009225.1, residues 1653-1673): VVSGLTPEEF[Met1663Arg]LVYKFARKHH